The following is an entry in ClinVar:

ClinVar aggregate classification (germline): Conflicting classifications of pathogenicity. Review status: criteria provided, conflicting classifications (1 of 4 stars). 2 submissions from 2 submitters: Uncertain significance (1); Likely benign (1). Last evaluated 2025-12-22.

Conditions:
Inborn genetic diseases. Identifiers: MedGen C0950123, MeSH D030342.
Hypoplastic enamel-onycholysis-hypohidrosis syndrome (TNS). Also called: NAIL DYSPLASIA WITH HYPODONTIA; ECTODERMAL DYSPLASIA 3, TOOTH/NAIL TYPE; WITKOP SYNDROME; Tooth-and-Nail Syndrome; ECTODERMAL DYSPLASIA 3, WITKOP TYPE. Identifiers: Orphanet 2228, MedGen C0406735, MONDO:0008582, OMIM 189500.

Allele frequency attached by ClinVar (database versions not stated): gnomAD exomes 0.00001.
gnomAD v4.1: 8 of 1,492,732 alleles (0.00054%); highest among the groups gnomAD compares: Non-Finnish European, 0.00071%; no homozygotes.

Submissions (2):

Ambry Genetics
Classification: Uncertain significance for Inborn genetic diseases. Last evaluated: 2025-12-22. Review status: criteria provided, single submitter. Criteria: Ambry Variant Classification Scheme 2023. Collection method: clinical testing. Allele origin: germline.

Centre for Mendelian Genomics, University Medical Centre Ljubljana
Classification: Likely benign for Hypoplastic enamel-onycholysis-hypohidrosis syndrome. Last evaluated: 2020-04-02. Review status: criteria provided, single submitter. Criteria: ACMG Guidelines, 2015. Collection method: clinical testing. Allele origin: unknown. Affected: yes.
Comment: This variant was classified as: Likely benign. The following ACMG criteria were applied in classifying this variant: BP4,BS2.

NM_002448.3(MSX1):c.89G>A (p.Gly30Asp)

Genes: MSX1 (msh homeobox 1; plus strand), LOC129992137 (ATAC-STARR-seq lymphoblastoid silent region 15219; plus strand). Cytogenetic location: 4p16.2.
Variant type: single nucleotide variant.
Coding change: c.89G>A on transcript NM_002448.3 (MANE Select); coding-DNA position 89, G replaced by A.
Protein change: p.Gly30Asp; replaces glycine 30 with aspartic acid.
Molecular consequence: missense variant.
Genome position (GRCh38, 1-based): chr4:4,859,988, G>A. VCF-style: chr4-4859988-G-A. GRCh37 (hg19) VCF-style: chr4-4861715-G-A.
Other names: short protein forms G30D.
Identifiers: ClinVar variation 931187 (VCV000931187.4), dbSNP rs1414674827, ClinGen allele CA356137128.